The following is an entry in ClinVar:

ClinVar aggregate classification (somatic clinical impact): Tier II - Potential (1 of 4 stars; one submission).

Conditions:
Neuroblastoma (NB). Identifiers: Orphanet 635, MedGen C0027819, MeSH D009447, MONDO:0005072, HP:0003006.

Submission:

Institute for Genomic Medicine (IGM) Clinical Laboratory, Nationwide Children's Hospital
Classification: Tier II - Potential for Neuroblastoma. Assertion type: diagnostic. Clinical significance: supports diagnosis. Last evaluated: 2024-10-03. Review status: criteria provided, single submitter. Criteria: AMP/ASCO/CAP Guidelines, 2017. Collection method: clinical testing. Allele origin: somatic. Affected: yes.
Comment: Variant has Tier II (potential) clinical significance as a diagnostic inclusion criterion in neuroblastoma, based on the following evidence: 1) Appears in one or more well-established professional guidelines (e.g., World Health Organization [WHO]; National Comprehensive Cancer Network [NCCN]) as providing diagnostic, prognostic, or therapeutic information. 2) Diagnostic significance based on multiple small studies (Evidence Level C; PMIDs: 22416102, 23334666, 33056981, 25487495, 30523111, 32291317, 32060267, 35384159).

Literature cited by the submitters: PubMed 22416102; PubMed 23334666; PubMed 33056981; PubMed 25487495; PubMed 30523111; PubMed 32291317; PubMed 32060267; PubMed 35384159.

NM_000489.6(ATRX):c.363G>T (p.Leu121Phe)

Gene: ATRX (ATRX chromatin remodeler; minus strand). Cytogenetic location: Xq21.1.
Variant type: single nucleotide variant.
Coding change: c.363G>T on transcript NM_000489.6 (MANE Select); coding-DNA position 363, G replaced by T.
Protein change: p.Leu121Phe; replaces leucine 121 with phenylalanine.
Molecular consequence: missense variant.
Genome position (GRCh38, 1-based): chrX:77,696,584, C>A on the plus strand (G>T on the coding strand, the complement: ATRX is on the minus strand). VCF-style: chrX-77696584-C-A. GRCh37 (hg19) VCF-style: chrX-76952072-C-A.
Other names: c.363G>T, p.Leu121Phe (NM_138270.5); short protein forms L121F.
Identifiers: ClinVar variation 4530227 (VCV004530227.1).
Genomic context (GRCh38, chrX:77,696,584, plus strand): 5'-ATGTTTAAAAATTCATTTCAACTTTAACTTCATGAAAAATTAACACACATTACCTTTTGG[C>A]AAGCTCTGCATAGTAATATCATTTTCTGAATTTTCATTAGACGCATCTTCATTTACAGTT-3'
Protein context (NP_000480.3, residues 111-131): NSENDITMQS[Leu121Phe]PKGTVIVQPE